The following is an entry in ClinVar:

NM_203447.4(DOCK8):c.3185T>A (p.Leu1062His)

Gene: DOCK8 (dedicator of cytokinesis 8; plus strand). Cytogenetic location: 9p24.3.
Variant type: single nucleotide variant.
Coding change: c.3185T>A on transcript NM_203447.4 (MANE Select); coding-DNA position 3185, T replaced by A.
Protein change: p.Leu1062His; replaces leucine 1062 with histidine.
Molecular consequence: missense variant.
Genome position (GRCh38, 1-based): chr9:399,210, T>A. VCF-style: chr9-399210-T-A. GRCh37 (hg19) VCF-style: chr9-399210-T-A.
Other names: c.2885T>A, p.Leu962His (NM_001190458.2); c.2981T>A, p.Leu994His (NM_001193536.2); short protein forms L994H, L1062H, L962H.
Identifiers: ClinVar variation 3651827 (VCV003651827.2).
Genomic context (GRCh38, chr9:399,210, plus strand): 5'-ATGAACAGGCGGAAAAGATGAACATCAGCCTGGCTTTCTTCTTGTATGACCTTCTCTCCC[T>A]CATGGATCGGGGCTTTGTGTTTAACCTCATCAGACATTATTGCAGCCAGGTGAGTGTCCC-3'
Protein context (NP_982272.2, residues 1052-1072): LAFFLYDLLS[Leu1062His]MDRGFVFNLI

ClinVar aggregate classification (germline): Uncertain significance (1 of 4 stars; one submission).

Conditions:
Combined immunodeficiency due to DOCK8 deficiency (HIES2). Also called: HIES autosomal recessive; HYPER-IgE SYNDROME 2, AUTOSOMAL RECESSIVE, WITH RECURRENT INFECTIONS; Hyper-IgE recurrent infection syndrome, autosomal recessive; HYPER-IgE RECURRENT INFECTION SYNDROME 2, AUTOSOMAL RECESSIVE; DOCK8 Deficiency. Identifiers: Orphanet 217390, MedGen C4722305, MONDO:0009478, OMIM 243700.

gnomAD v4.1: 1 of 1,613,994 alleles (0.000062%); highest among the groups gnomAD compares: Non-Finnish European, 0.000085%; no homozygotes.

Submission:

Labcorp Genetics (formerly Invitae), Labcorp
Classification: Uncertain significance for Combined immunodeficiency due to DOCK8 deficiency. Last evaluated: 2024-05-01. Review status: criteria provided, single submitter. Criteria: Invitae Variant Classification Sherloc (09022015). Collection method: clinical testing. Allele origin: germline.
Comment: This sequence change replaces leucine, which is neutral and non-polar, with histidine, which is basic and polar, at codon 1062 of the DOCK8 protein (p.Leu1062His). This variant is not present in population databases (gnomAD no frequency). This variant has not been reported in the literature in individuals affected with DOCK8-related conditions. Advanced modeling of protein sequence and biophysical properties (such as structural, functional, and spatial information, amino acid conservation, physicochemical variation, residue mobility, and thermodynamic stability) performed at Invitae indicates that this missense variant is expected to disrupt DOCK8 protein function with a positive predictive value of 80%. In summary, the available evidence is currently insufficient to determine the role of this variant in disease. Therefore, it has been classified as a Variant of Uncertain Significance.